The following is an entry in ClinVar:

ClinVar aggregate classification (germline): Likely benign (1 of 4 stars; one submission).

Allele frequency attached by ClinVar (database versions not stated): 1000 Genomes Project 30x 0.00250; 1000 Genomes Project 0.00280; ESP Exome Variant Server 0.00346; gnomAD 0.00433; ExAC 0.00436; TOPMed 0.00522.

Submission:

CeGaT Center for Human Genetics Tuebingen
Classification: Likely benign. Last evaluated: 2023-04-01. Review status: criteria provided, single submitter. Criteria: CeGaT Center For Human Genetics Tuebingen Variant Classification Criteria Version 2. Collection method: clinical testing. Allele origin: germline. Affected: yes. Observed: 2 variant alleles.
Comment: SPNS1: BS2

NM_032038.3(SPNS1):c.1550G>A (p.Arg517His)

Gene: SPNS1 (SPNS lysolipid transporter 1, lysophospholipid; plus strand). Cytogenetic location: 16p11.2.
Variant type: single nucleotide variant.
Coding change: c.1550G>A on transcript NM_032038.3 (MANE Select); coding-DNA position 1550, G replaced by A.
Protein change: p.Arg517His; replaces arginine 517 with histidine.
Molecular consequence: missense variant.
Genome position (GRCh38, 1-based): chr16:28,984,262, G>A. VCF-style: chr16-28984262-G-A. GRCh37 (hg19) VCF-style: chr16-28995583-G-A.
Other names: c.1550G>A, p.Arg517His (NM_001142448.2); c.1328G>A, p.Arg443His (NM_001142449.2); c.1331G>A, p.Arg444His (NM_001142450.2); c.1394G>A, p.Arg465His (NM_001142451.2); short protein forms R443H, R444H, R465H, R517H.
Identifiers: ClinVar variation 2570936 (VCV002570936.27), dbSNP rs149610167, ClinGen allele CA7989697.